The following is an entry in ClinVar:

NM_004360.5(CDH1):c.388-18C>T

Gene: CDH1 (cadherin 1; plus strand). Cytogenetic location: 16q22.1.
Variant type: single nucleotide variant.
Coding change: c.388-18C>T on transcript NM_004360.5 (MANE Select); 18 bases into the intron before coding-DNA position 388, C replaced by T.
Molecular consequence: intron variant.
Genome position (GRCh38, 1-based): chr16:68,808,406, C>T. VCF-style: chr16-68808406-C-T. GRCh37 (hg19) VCF-style: chr16-68842309-C-T.
Other names: c.-1228-18C>T (NM_001317185.2); c.-1432-18C>T (NM_001317186.2); c.388-18C>T (NM_001317184.2, LRG_301t1).
Identifiers: ClinVar variation 510895 (VCV000510895.9), dbSNP rs1555515167, ClinGen allele CA658798620.

ClinVar aggregate classification (germline): Likely benign. Review status: criteria provided, multiple submitters, no conflicts (2 of 4 stars). 4 submissions from 4 submitters: Likely benign (4). Last evaluated 2025-12-03.

Conditions:
Hereditary cancer-predisposing syndrome. Also called: Hereditary Cancer Syndrome; Tumor predisposition; Neoplastic Syndromes, Hereditary; Hereditary neoplastic syndrome. Identifiers: Orphanet 140162, MedGen C0027672, MeSH D009386, MONDO:0015356.
Hereditary diffuse gastric adenocarcinoma (HDGC). Also called: DIFFUSE GASTRIC AND LOBULAR BREAST CANCER SYNDROME. Identifiers: Orphanet 26106, MedGen C1708349, MONDO:0007648, OMIM 137215.

Submissions (4):

Labcorp Genetics (formerly Invitae), Labcorp
Classification: Likely benign for Hereditary diffuse gastric adenocarcinoma. Last evaluated: 2025-12-03. Review status: criteria provided, single submitter. Criteria: Invitae Variant Classification Sherloc (09022015). Collection method: clinical testing. Allele origin: germline.

Myriad Genetics, Inc.
Classification: Likely benign for Hereditary diffuse gastric adenocarcinoma. Last evaluated: 2024-09-12. Review status: criteria provided, single submitter. Criteria: Myriad Autosomal Dominant, Autosomal Recessive and X-Linked Classification Criteria (2023). Collection method: clinical testing. Allele origin: unknown.
Comment: This variant is considered likely benign. This variant is intronic and is not expected to impact mRNA splicing.

Color Diagnostics, LLC DBA Color Health
Classification: Likely benign for Hereditary cancer-predisposing syndrome. Last evaluated: 2018-05-11. Review status: criteria provided, single submitter. Criteria: ACMG Guidelines, 2015. Collection method: clinical testing. Allele origin: germline.

GeneDx
Classification: Likely benign. Last evaluated: 2017-07-24. Review status: criteria provided, single submitter. Criteria: GeneDx Variant Classification (06012015). Collection method: clinical testing. Allele origin: germline. Affected: yes.
Comment: This variant is considered likely benign or benign based on one or more of the following criteria: it is a conservative change, it occurs at a poorly conserved position in the protein, it is predicted to be benign by multiple in silico algorithms, and/or has population frequency not consistent with disease.